The following is an entry in ClinVar:

NM_005982.4(SIX1):c.749G>A (p.Gly250Asp)

Gene: SIX1 (SIX homeobox 1; minus strand). Cytogenetic location: 14q23.1.
Variant type: single nucleotide variant.
Coding change: c.749G>A on transcript NM_005982.4 (MANE Select); coding-DNA position 749, G replaced by A.
Protein change: p.Gly250Asp; replaces glycine 250 with aspartic acid.
Molecular consequence: missense variant. On other transcripts: 3 prime UTR variant (1).
Genome position (GRCh38, 1-based): chr14:60,646,389, C>T on the plus strand (G>A on the coding strand, the complement: SIX1 is on the minus strand). VCF-style: chr14-60646389-C-T. GRCh37 (hg19) VCF-style: chr14-61113107-C-T.
Other names: c.*168G>A (NM_001425142.1); short protein forms G250D.
Identifiers: ClinVar variation 3748121 (VCV003748121.2).

ClinVar aggregate classification (germline): Uncertain significance (1 of 4 stars; one submission).

Conditions:
Branchiootic syndrome 3 (BOS3). Also called: BO SYNDROME 3. Identifiers: MedGen C1842124, MONDO:0012025, OMIM 608389.
Autosomal dominant nonsyndromic hearing loss 23. Identifiers: Orphanet 90635, MedGen C1854594, MONDO:0011519, OMIM 605192.

Submission:

Labcorp Genetics (formerly Invitae), Labcorp
Classification: Uncertain significance for Autosomal dominant nonsyndromic hearing loss 23; Branchiootic syndrome 3. Last evaluated: 2024-02-03. Review status: criteria provided, single submitter. Criteria: Invitae Variant Classification Sherloc (09022015). Collection method: clinical testing. Allele origin: germline.
Comment: This sequence change replaces glycine, which is neutral and non-polar, with aspartic acid, which is acidic and polar, at codon 250 of the SIX1 protein (p.Gly250Asp). This variant is not present in population databases (gnomAD no frequency). This variant has not been reported in the literature in individuals affected with SIX1-related conditions. An algorithm developed to predict the effect of missense changes on protein structure and function (PolyPhen-2) suggests that this variant is likely to be tolerated. In summary, the available evidence is currently insufficient to determine the role of this variant in disease. Therefore, it has been classified as a Variant of Uncertain Significance.